The following is an entry in ClinVar:

ClinVar aggregate classification (germline): Benign/Likely benign. Review status: criteria provided, multiple submitters, no conflicts (2 of 4 stars). 3 submissions from 3 submitters: Benign (1); Likely benign (1). 1 of the submissions does not count toward it. Last evaluated 2026-07-01.

Conditions:
KMT2B-related disorder. Also called: KMT2B-related disorders; KMT2B-related condition. Identifiers: MedGen CN381338.

Allele frequency attached by ClinVar (database versions not stated): gnomAD exomes 0.00004 and 0.00010; ExAC 0.00017; 1000 Genomes Project 30x 0.00031; 1000 Genomes Project 0.00040; gnomAD 0.00061 and 0.00063; ESP Exome Variant Server 0.00062; TOPMed 0.00062.

Submissions (3):

CeGaT Center for Human Genetics Tuebingen
Classification: Likely benign. Last evaluated: 2026-07-01. Review status: criteria provided, single submitter. Criteria: CeGaT Center For Human Genetics Tuebingen Variant Classification Criteria Version 2. Collection method: clinical testing. Allele origin: germline. Affected: yes. Observed: 1 variant allele.
Comment: KMT2B: BP4, BP7

Labcorp Genetics (formerly Invitae), Labcorp
Classification: Benign. Last evaluated: 2025-08-06. Review status: criteria provided, single submitter. Criteria: Invitae Variant Classification Sherloc (09022015). Collection method: clinical testing. Allele origin: germline.

PreventionGenetics, part of Exact Sciences
Classification: Likely benign for KMT2B-related condition. Last evaluated: 2019-10-28. Review status: no assertion criteria provided. Collection method: clinical testing. Allele origin: germline. Not counted in ClinVar's aggregate classification.
Comment: This variant is classified as likely benign based on ACMG/AMP sequence variant interpretation guidelines (Richards et al. 2015 PMID: 25741868, with internal and published modifications).

NM_014727.3(KMT2B):c.4365C>T (p.Arg1455=)

Gene: KMT2B (lysine methyltransferase 2B; plus strand). Cytogenetic location: 19q13.12.
Variant type: single nucleotide variant.
Coding change: c.4365C>T on transcript NM_014727.3 (MANE Select); coding-DNA position 4365, C replaced by T.
Protein change: p.Arg1455=; no amino-acid change (arginine 1455 retained).
Molecular consequence: synonymous variant.
Genome position (GRCh38, 1-based): chr19:35,727,760, C>T. VCF-style: chr19-35727760-C-T. GRCh37 (hg19) VCF-style: chr19-36218661-C-T.
Identifiers: ClinVar variation 744167 (VCV000744167.11), dbSNP rs200272820, ClinGen allele CA9385057.